The following is an entry in ClinVar:

ClinVar aggregate classification (germline): Conflicting classifications of pathogenicity. Review status: criteria provided, conflicting classifications (1 of 4 stars). 2 submissions from 2 submitters: Uncertain significance (1); Likely benign (1). Last evaluated 2025-05-01.

Conditions:
Hereditary cancer-predisposing syndrome. Also called: Hereditary neoplastic syndrome; Hereditary Cancer Syndrome; Tumor predisposition; Neoplastic Syndromes, Hereditary. Identifiers: Orphanet 140162, MedGen C0027672, MeSH D009386, MONDO:0015356.
Hereditary pheochromocytoma and paraganglioma. Also called: Hereditary pheochromocytoma-paraganglioma; Hereditary Paraganglioma-Pheochromocytoma Syndromes; Hereditary paragangliomas and pheochromocytomas. Identifiers: Orphanet 29072, MedGen C4274332, MONDO:0017366.

Allele frequency attached by ClinVar (database versions not stated): gnomAD exomes below 0.00001 and 0.00001; TOPMed below 0.00001; gnomAD 0.00001.
gnomAD v4.1: 19 of 1,614,084 alleles (0.0012%); highest among the groups gnomAD compares: Non-Finnish European, 0.0015%; no homozygotes.

Submissions (2):

Labcorp Genetics (formerly Invitae), Labcorp
Classification: Uncertain significance for Hereditary pheochromocytoma and paraganglioma. Last evaluated: 2025-05-01. Review status: criteria provided, single submitter. Criteria: Invitae Variant Classification Sherloc (09022015). Collection method: clinical testing. Allele origin: germline.
Comment: This sequence change replaces threonine, which is neutral and polar, with alanine, which is neutral and non-polar, at codon 41 of the SDHAF2 protein (p.Thr41Ala). This variant is present in population databases (no rsID available, gnomAD 0.003%). This variant has not been reported in the literature in individuals affected with SDHAF2-related conditions. ClinVar contains an entry for this variant (Variation ID: 939412). An algorithm developed to predict the effect of missense changes on protein structure and function outputs the following: PolyPhen-2: "Benign". The alanine amino acid residue is found in multiple mammalian species, which suggests that this missense change does not adversely affect protein function. In summary, the available evidence is currently insufficient to determine the role of this variant in disease. Therefore, it has been classified as a Variant of Uncertain Significance.

Ambry Genetics
Classification: Likely benign for Hereditary cancer-predisposing syndrome. Last evaluated: 2025-04-11. Review status: criteria provided, single submitter. Criteria: Ambry Variant Classification Scheme 2023. Collection method: clinical testing. Allele origin: germline.

NM_017841.4(SDHAF2):c.121A>G (p.Thr41Ala)

Gene: SDHAF2 (succinate dehydrogenase complex assembly factor 2; plus strand). Cytogenetic location: 11q12.2.
Variant type: single nucleotide variant.
Coding change: c.121A>G on transcript NM_017841.4 (MANE Select); coding-DNA position 121, A replaced by G.
Protein change: p.Thr41Ala; replaces threonine 41 with alanine.
Molecular consequence: missense variant.
Genome position (GRCh38, 1-based): chr11:61,437,709, A>G. VCF-style: chr11-61437709-A-G. GRCh37 (hg19) VCF-style: chr11-61205181-A-G.
Other names: short protein forms T41A.
Identifiers: ClinVar variation 939412 (VCV000939412.12), dbSNP rs1455092335, ClinGen allele CA380683173.